The following is an entry in ClinVar:

ClinVar aggregate classification (germline): Uncertain significance (1 of 4 stars; one submission).

Conditions:
Inborn genetic diseases. Identifiers: MedGen C0950123, MeSH D030342.

Submission:

Ambry Genetics
Classification: Uncertain significance for Inborn genetic diseases. Last evaluated: 2026-04-01. Review status: criteria provided, single submitter. Criteria: Ambry Variant Classification Scheme 2023. Collection method: clinical testing. Allele origin: germline.
Comment: The c.4706G>C (p.C1569S) alteration is located in exon 26 (coding exon 25) of the SCN8A gene. This alteration results from a G to C substitution at nucleotide position 4706, causing the cysteine (C) at amino acid position 1569 to be replaced by a serine (S). This variant was not reported in population-based cohorts in the Genome Aggregation Database (gnomAD). This amino acid position is well conserved in available vertebrate species. This alteration is predicted to be deleterious by in silico analysis. Based on insufficient or conflicting evidence, the clinical significance of this alteration remains unclear.

NM_001330260.2(SCN8A):c.4706G>C (p.Cys1569Ser)

Gene: SCN8A (sodium voltage-gated channel alpha subunit 8; plus strand). Cytogenetic location: 12q13.13.
Variant type: single nucleotide variant.
Coding change: c.4706G>C on transcript NM_001330260.2 (MANE Select); coding-DNA position 4706, G replaced by C.
Protein change: p.Cys1569Ser; replaces cysteine 1569 with serine.
Molecular consequence: missense variant.
Genome position (GRCh38, 1-based): chr12:51,794,552, G>C. VCF-style: chr12-51794552-G-C. GRCh37 (hg19) VCF-style: chr12-52188336-G-C.
Other names: c.4583G>C, p.Cys1528Ser (NM_001177984.3, NM_001369788.1); c.4706G>C, p.Cys1569Ser (NM_014191.4); short protein forms C1528S, C1569S.
Identifiers: ClinVar variation 4864179 (VCV004864179.1).